The following is an entry in ClinVar:

ClinVar aggregate classification (germline): Uncertain significance. Review status: criteria provided, multiple submitters, no conflicts (2 of 4 stars). 4 submissions from 4 submitters: Uncertain significance (4). Last evaluated 2026-04-27.

Conditions:
Inborn genetic diseases. Identifiers: MedGen C0950123, MeSH D030342.
Donnai-Barrow syndrome. Also called: DBS/FOAR SYNDROME; FACIOOCULOACOUSTICORENAL SYNDROME. Identifiers: Orphanet 2143, MedGen C1857277, MONDO:0009104, OMIM 222448.
LRP2-related disorder. Also called: LRP2-related condition.

Allele frequency attached by ClinVar (database versions not stated): gnomAD exomes 0.00001; ExAC 0.00002; gnomAD 0.00005; TOPMed 0.00005.
gnomAD v4.1: 24 of 1,614,016 alleles (0.0015%); highest among the groups gnomAD compares: East Asian, 0.018%; no homozygotes.

Submissions (4):

PreventionGenetics, part of Exact Sciences
Classification: Uncertain significance for LRP2-related condition. Last evaluated: 2026-04-27. Review status: criteria provided, single submitter. Criteria: ACMG Guidelines, 2015. Collection method: clinical testing. Allele origin: germline.
Comment: The LRP2 c.4732C>T variant is predicted to result in the amino acid substitution p.Arg1578Cys. This variant was reported in an individual with cerebral autosomal dominant arteriopathy with subcortical infarcts and leukoencephalopathy (CADASIL) (Table 2, Dunn et al. 2022. PubMed ID: 36175824). This variant is reported in 0.0050% of alleles in individuals of East Asian descent in gnomAD. At this time, the clinical significance of this variant is uncertain due to the absence of conclusive functional and genetic evidence.

Labcorp Genetics (formerly Invitae), Labcorp
Classification: Uncertain significance. Last evaluated: 2026-01-25. Review status: criteria provided, single submitter. Criteria: Invitae Variant Classification Sherloc (09022015). Collection method: clinical testing. Allele origin: germline.
Comment: This sequence change replaces arginine, which is basic and polar, with cysteine, which is neutral and slightly polar, at codon 1578 of the LRP2 protein (p.Arg1578Cys). This variant is present in population databases (rs768876882, gnomAD 0.008%). This variant has not been reported in the literature in individuals affected with LRP2-related conditions. ClinVar contains an entry for this variant (Variation ID: 1412776). Invitae Evidence Modeling of protein sequence and biophysical properties (such as structural, functional, and spatial information, amino acid conservation, physicochemical variation, residue mobility, and thermodynamic stability) indicates that this missense variant is not expected to disrupt LRP2 protein function with a negative predictive value of 80%. In summary, the available evidence is currently insufficient to determine the role of this variant in disease. Therefore, it has been classified as a Variant of Uncertain Significance.

Fulgent Genetics
Classification: Uncertain significance for Donnai-Barrow syndrome. Last evaluated: 2024-04-09. Review status: criteria provided, single submitter. Criteria: ACMG Guidelines, 2015. Collection method: clinical testing. Allele origin: germline.

Ambry Genetics
Classification: Uncertain significance for Inborn genetic diseases. Last evaluated: 2021-05-24. Review status: criteria provided, single submitter. Criteria: Ambry Variant Classification Scheme 2023. Collection method: clinical testing. Allele origin: germline.

NM_004525.3(LRP2):c.4732C>T (p.Arg1578Cys)

Gene: LRP2 (LDL receptor related protein 2; minus strand). Cytogenetic location: 2q31.1.
Variant type: single nucleotide variant.
Coding change: c.4732C>T on transcript NM_004525.3 (MANE Select); coding-DNA position 4732, C replaced by T.
Protein change: p.Arg1578Cys; replaces arginine 1578 with cysteine.
Molecular consequence: missense variant.
Genome position (GRCh38, 1-based): chr2:169,236,028, G>A on the plus strand (C>T on the coding strand, the complement: LRP2 is on the minus strand). VCF-style: chr2-169236028-G-A. GRCh37 (hg19) VCF-style: chr2-170092538-G-A.
Other names: c.4732C>T (NM_004525.2); short protein forms R1578C.
Identifiers: ClinVar variation 1412776 (VCV001412776.10), dbSNP rs768876882, ClinGen allele CA1954721.
Genomic context (GRCh38, chr2:169,236,028, plus strand): 5'-AGATCTTGTCCTGGACAATGACAGTGCGCATGCTGCCGTCCATGCTGGCTCGCTCGATGC[G>A]AGGGTGGTGGCCCCAGTCAGACCAGAACAGTAGATGCTCACTGGGAAAGGAAATGAGTTA-3'
Protein context (NP_004516.2, residues 1568-1588): LFWSDWGHHP[Arg1578Cys]IERASMDGSM